The following is an entry in ClinVar:

ClinVar aggregate classification (germline): Uncertain significance (1 of 4 stars; one submission).

Conditions:
Koolen-de Vries syndrome (KDVS). Identifiers: Orphanet 96169, MedGen C1864871, MONDO:0012496, OMIM 610443.

Submission:

Labcorp Genetics (formerly Invitae), Labcorp
Classification: Uncertain significance for Koolen-de Vries syndrome. Last evaluated: 2021-08-07. Review status: criteria provided, single submitter. Criteria: Invitae Variant Classification Sherloc (09022015). Collection method: clinical testing. Allele origin: germline.
Comment: This variant is not present in population databases (ExAC no frequency). This sequence change replaces aspartic acid with glycine at codon 717 of the KANSL1 protein (p.Asp717Gly). The aspartic acid residue is highly conserved and there is a moderate physicochemical difference between aspartic acid and glycine. In summary, the available evidence is currently insufficient to determine the role of this variant in disease. Therefore, it has been classified as a Variant of Uncertain Significance. Algorithms developed to predict the effect of sequence changes on RNA splicing suggest that this variant may create or strengthen a splice site. Algorithms developed to predict the effect of missense changes on protein structure and function are either unavailable or do not agree on the potential impact of this missense change (SIFT: "Tolerated"; PolyPhen-2: "Probably Damaging"; Align-GVGD: "Class C0"). This variant has not been reported in the literature in individuals affected with KANSL1-related conditions.

NM_015443.4(KANSL1):c.2150A>G (p.Asp717Gly)

Gene: KANSL1 (KAT8 regulatory NSL complex subunit 1). Cytogenetic location: 17q21.31.
Variant type: single nucleotide variant.
Coding change: c.2150A>G on transcript NM_015443.4 (MANE Select); coding-DNA position 2150, A replaced by G.
Protein change: p.Asp717Gly; replaces aspartic acid 717 with glycine.
Molecular consequence: missense variant.
Genome position (GRCh38, 1-based): chr17:46,039,755, T>C on the plus strand (A>G on the coding strand, the complement: KANSL1 is on the minus strand). VCF-style: chr17-46039755-T-C. GRCh37 (hg19) VCF-style: chr17-44117121-T-C.
Other names: c.2150A>G, p.Asp717Gly (NM_001193465.2, NM_001193466.2, NM_001379198.1); short protein forms D717G.
Identifiers: ClinVar variation 1373292 (VCV001373292.6), dbSNP rs2146369181, ClinGen allele CA399982155.
Genomic context (GRCh38, chr17:46,039,755, plus strand): 5'-CACTTACTGGCTGTTGTTAGGAAGGAGCTGACCAATTTGTGCCTGTCCTTACGAGCTGAA[T>C]CTGGCAGACTGCCCGGCATGGGTGCTCTGTGCTTAAGCGATAACTTTTTGGGAGGTTTGA-3'
Protein context (NP_056258.1, residues 707-727): HRAPMPGSLP[Asp717Gly]SARKDRHKLV